The following is an entry in ClinVar:

ClinVar aggregate classification (germline): Pathogenic (1 of 4 stars; one submission).

Conditions:
Global developmental delay with speech and behavioral abnormalities. Identifiers: MedGen C5543226, MONDO:0030995, OMIM 619243.

Submission:

Women's Health and Genetics/Laboratory Corporation of America, LabCorp
Classification: Pathogenic for Global developmental delay with speech and behavioral abnormalities. Last evaluated: 2025-11-26. Review status: criteria provided, single submitter. Criteria: LabCorp Variant Classification Summary - May 2015. Collection method: clinical testing. Allele origin: germline.
Comment: Variant summary: TNRC6B c.643_644delAC (p.Thr215HisfsX3) results in a premature termination codon, predicted to cause a truncation of the encoded protein or absence of the protein due to nonsense mediated decay, which are commonly known mechanisms for disease. The variant was absent in 249176 control chromosomes. To our knowledge, no occurrence of c.643_644delAC in individuals affected with TNRC6B-related conditions and no experimental evidence demonstrating its impact on protein function have been reported. No submitters have cited clinical-significance assessments for this variant to ClinVar. Based on the evidence outlined above, the variant was classified as pathogenic.

NM_001162501.2(TNRC6B):c.643_644del (p.Thr215fs)

Gene: TNRC6B (trinucleotide repeat containing adaptor 6B; plus strand). Cytogenetic location: 22q13.1.
Variant type: Microsatellite.
Coding change: c.643_644del on transcript NM_001162501.2 (MANE Select); coding-DNA positions 643 to 644, 2 bases deleted (AC; older notation c.643_644delAC).
Protein change: p.Thr215fs; shifts the reading frame from threonine 215.
Molecular consequence: frameshift variant. On other transcripts: intron variant (1).
Genome position (GRCh38, 1-based): chr22:40,264,873-40,264,874, AC deleted; deleting any 2 consecutive bases within chr22:40,264,871-40,264,874 gives the same sequence; the c. name uses the placement nearest the transcript's 3' end. VCF-style (leftmost placement, unchanged base first): chr22-40264870-AAC-A. GRCh37 (hg19) VCF-style: chr22-40660874-AAC-A.
Other names: c.643_644delAC (NM_001162501.2); c.643_644del, p.Thr215fs (NM_015088.3); c.565+2700_565+2701del (NM_001024843.2); short protein forms T215fs.
Identifiers: ClinVar variation 4537136 (VCV004537136.1).